The following is an entry in ClinVar:

NM_005097.4(LGI1):c.1465del (p.Tyr489fs)

Gene: LGI1 (leucine rich glioma inactivated 1; plus strand). Cytogenetic location: 10q23.33.
Variant type: Deletion.
Coding change: c.1465del on transcript NM_005097.4 (MANE Select); coding-DNA position 1465, one base deleted (T; older notation c.1465delT).
Protein change: p.Tyr489fs; shifts the reading frame from tyrosine 489.
Molecular consequence: frameshift variant. On other transcripts: non-coding transcript variant (1), intron variant (1).
Genome position (GRCh38, 1-based): chr10:93,797,594, T deleted. VCF-style (leftmost placement, unchanged base first): chr10-93797593-AT-A. GRCh37 (hg19) VCF-style: chr10-95557350-AT-A.
Other names: c.1321del, p.Tyr441fs (NM_001308276.2); c.839-155del (NM_001308275.2); c.1465del (NM_005097.2); short protein forms Y441fs, Y489fs.
Identifiers: ClinVar variation 648214 (VCV000648214.10), dbSNP rs1589776148, ClinGen allele CA915947518.

ClinVar aggregate classification (germline): Pathogenic (1 of 4 stars; one submission).

Conditions:
Autosomal dominant epilepsy with auditory features. Identifiers: Orphanet 101046, MedGen C1838062, MONDO:0010898.

Submission:

Labcorp Genetics (formerly Invitae), Labcorp
Classification: Pathogenic for Autosomal dominant epilepsy with auditory features. Last evaluated: 2019-10-14. Review status: criteria provided, single submitter. Criteria: Invitae Variant Classification Sherloc (09022015). Collection method: clinical testing. Allele origin: germline.
Comment: This variant disrupts the C-terminus of the LGI1 protein. Other variant(s) that disrupt this region (p.Ile547Asnfs*8) have been determined to be pathogenic (PMID: 11810107, 15857855, 18711109). This suggests that variants that disrupt this region of the protein are likely to be causative of disease. For these reasons, this variant has been classified as Pathogenic. This variant has not been reported in the literature in individuals with LGI1-related conditions. ClinVar contains an entry for this variant (Variation ID: 648214). This variant is not present in population databases (ExAC no frequency). This sequence change results in a premature translational stop signal in the LGI1 gene (p.Tyr489Metfs*24). While this is not anticipated to result in nonsense mediated decay, it is expected to disrupt the last 69 amino acids of the LGI1 protein.

Literature cited by the submitters: PubMed 11810107; PubMed 15857855; PubMed 18711109.